The following is an entry in ClinVar:

ClinVar aggregate classification (germline): Uncertain significance (1 of 4 stars; one submission).

Conditions:
Hereditary sensory and autonomic neuropathy with spastic paraplegia (HSNSP). Identifiers: Orphanet 139578, MedGen C1850395, MONDO:0009748, OMIM 256840.

Allele frequency attached by ClinVar (database versions not stated): gnomAD exomes below 0.00001.
gnomAD v4.1: 7 of 1,609,936 alleles (0.00043%); highest among the groups gnomAD compares: Non-Finnish European, 0.00051%; no homozygotes.

Submission:

Neuberg Centre For Genomic Medicine, NCGM
Classification: Uncertain significance for Hereditary sensory and autonomic neuropathy with spastic paraplegia. Review status: criteria provided, single submitter. Criteria: ACMG Guidelines, 2015. Collection method: clinical testing. Allele origin: germline. Inheritance: Autosomal recessive inheritance. Affected: yes.
Comment: The missense variant p.M48V in CCT5 (NM_012073.5) has not been reported previously as a pathogenic variant nor as a benign variant, to our knowledge. The p.M48V variant is observed in 1/1,13,670 (0.0009%) alleles from individuals of European (Non-Finnish) background in gnomAD Exomes and is novel (not in any individuals) in 1000 Genomes. There is a small physicochemical difference between methionine and valine, which is not likely to impact secondary protein structure as these residues share similar properties. In silico tools predict the variant to be tolerated. The residue is conserved across species. The amino acid change p.Met48Val in CCT5 is predicted as conserved by GERP++ and PhyloP across 100 vertebrates. For these reasons, this variant has been classified as Uncertain Significance.

NM_012073.5(CCT5):c.142A>G (p.Met48Val)

Gene: CCT5 (chaperonin containing TCP1 subunit 5; plus strand). Cytogenetic location: 5p15.2.
Variant type: single nucleotide variant.
Coding change: c.142A>G on transcript NM_012073.5 (MANE Select); coding-DNA position 142, A replaced by G.
Protein change: p.Met48Val; replaces methionine 48 with valine.
Molecular consequence: missense variant.
Genome position (GRCh38, 1-based): chr5:10,254,181, A>G. VCF-style: chr5-10254181-A-G. GRCh37 (hg19) VCF-style: chr5-10254293-A-G.
Other names: c.79A>G, p.Met27Val (NM_001306153.1); c.142A>G, p.Met48Val (NM_001306154.2); c.28A>G, p.Met10Val (NM_001306155.2, NM_001306156.2); short protein forms M10V, M48V, M27V.
Identifiers: ClinVar variation 2585115 (VCV002585115.1), dbSNP rs778660679, ClinGen allele CA359180081.
Genomic context (GRCh38, chr5:10,254,181, plus strand): 5'-TGCTTTTTCTGTTTGTTTCATTAGTCTCATATAATGGCAGCAAAGGCTGTAGCAAATACA[A>G]TGAGAACATCACTTGGACCAAATGGTAAGAGTCCACCATTCCGTGTTTTTTAGCAAAAGA-3'
Protein context (NP_036205.1, residues 38-58): IMAAKAVANT[Met48Val]RTSLGPNGLD